The following is an entry in ClinVar:

NM_005612.5(REST):c.336A>G (p.Arg112=)

Gene: REST (RE1 silencing transcription factor; plus strand). Cytogenetic location: 4q12.
Variant type: single nucleotide variant.
Coding change: c.336A>G on transcript NM_005612.5 (MANE Select); coding-DNA position 336, A replaced by G.
Protein change: p.Arg112=; no amino-acid change (arginine 112 retained).
Molecular consequence: synonymous variant.
Genome position (GRCh38, 1-based): chr4:56,910,974, A>G. VCF-style: chr4-56910974-A-G. GRCh37 (hg19) VCF-style: chr4-57777140-A-G.
Other names: c.336A>G, p.Arg112= (NM_001193508.2, NM_001363453.3).
Identifiers: ClinVar variation 1637814 (VCV001637814.10), dbSNP rs771780114, ClinGen allele CA97629505.

ClinVar aggregate classification (germline): Likely benign. Review status: criteria provided, single submitter (1 of 4 stars). 2 submissions from 2 submitters: Likely benign (1). 1 of the submissions does not count toward it. Last evaluated 2023-03-18.

Conditions:
REST-related disorder. Also called: REST-related condition.

Allele frequency attached by ClinVar (database versions not stated): gnomAD exomes below 0.00001 and 0.00003; TOPMed 0.00001; gnomAD 0.00002.
gnomAD v4.1: 40 of 1,614,076 alleles (0.0025%); highest among the groups gnomAD compares: Non-Finnish European, 0.0033%; no homozygotes.

Submissions (2):

Labcorp Genetics (formerly Invitae), Labcorp
Classification: Likely benign. Last evaluated: 2023-03-18. Review status: criteria provided, single submitter. Criteria: Invitae Variant Classification Sherloc (09022015). Collection method: clinical testing. Allele origin: germline.

PreventionGenetics, part of Exact Sciences
Classification: Likely benign for REST-related condition. Last evaluated: 2022-02-10. Review status: no assertion criteria provided. Collection method: clinical testing. Allele origin: germline. Not counted in ClinVar's aggregate classification.
Comment: This variant is classified as likely benign based on ACMG/AMP sequence variant interpretation guidelines (Richards et al. 2015 PMID: 25741868, with internal and published modifications).